The following is an entry in ClinVar:

NM_003331.5(TYK2):c.1767C>G (p.Ile589Met)

Gene: TYK2 (tyrosine kinase 2; minus strand). Cytogenetic location: 19p13.2.
Variant type: single nucleotide variant.
Coding change: c.1767C>G on transcript NM_003331.5 (MANE Select); coding-DNA position 1767, C replaced by G.
Protein change: p.Ile589Met; replaces isoleucine 589 with methionine.
Molecular consequence: missense variant.
Genome position (GRCh38, 1-based): chr19:10,362,084, G>C on the plus strand (C>G on the coding strand, the complement: TYK2 is on the minus strand). VCF-style: chr19-10362084-G-C. GRCh37 (hg19) VCF-style: chr19-10472760-G-C.
Other names: c.1767C>G, p.Ile589Met (NM_001385197.1, NM_001385198.1, NM_001385199.1 and 6 more transcripts); c.1569C>G, p.Ile523Met (NM_001385201.1); c.1677C>G, p.Ile559Met (NM_001385205.1); c.1641C>G, p.Ile547Met (NM_001385206.1); short protein forms I589M, I559M, I523M, I547M.
Identifiers: ClinVar variation 2076666 (VCV002076666.3), dbSNP rs757081324, ClinGen allele CA9193313.

ClinVar aggregate classification (germline): Uncertain significance (1 of 4 stars; one submission).

Conditions:
Immunodeficiency 35 (IMD35). Also called: TYK2 DEFICIENCY; HIES WITH ATYPICAL MYCOBACTERIOSIS, AUTOSOMAL RECESSIVE; HYPER-IgE SYNDROME WITH ATYPICAL MYCOBACTERIOSIS, AUTOSOMAL RECESSIVE; Susceptibility to infection due to TYK2 deficiency. Identifiers: Orphanet 331226, MedGen C1969086, MONDO:0012682, OMIM 611521.

Allele frequency attached by ClinVar (database versions not stated): gnomAD 0.00001; ExAC 0.00003; TOPMed 0.00005.
gnomAD v4.1: 35 of 1,613,948 alleles (0.0022%); highest among the groups gnomAD compares: Non-Finnish European, 0.0029%; no homozygotes.

Submission:

Labcorp Genetics (formerly Invitae), Labcorp
Classification: Uncertain significance for Immunodeficiency 35. Last evaluated: 2022-03-12. Review status: criteria provided, single submitter. Criteria: Invitae Variant Classification Sherloc (09022015). Collection method: clinical testing. Allele origin: germline.
Comment: In summary, the available evidence is currently insufficient to determine the role of this variant in disease. Therefore, it has been classified as a Variant of Uncertain Significance. Algorithms developed to predict the effect of missense changes on protein structure and function are either unavailable or do not agree on the potential impact of this missense change (SIFT: "Not Available"; PolyPhen-2: "Probably Damaging"; Align-GVGD: "Not Available"). This variant has not been reported in the literature in individuals affected with TYK2-related conditions. This variant is present in population databases (rs757081324, gnomAD 0.004%). This sequence change replaces isoleucine, which is neutral and non-polar, with methionine, which is neutral and non-polar, at codon 589 of the TYK2 protein (p.Ile589Met).